The following is an entry in ClinVar:

NM_000313.4(PROS1):c.1795G>C (p.Asp599His)

Gene: PROS1 (protein S; minus strand). Cytogenetic location: 3q11.1.
Variant type: single nucleotide variant.
Coding change: c.1795G>C on transcript NM_000313.4 (MANE Select); coding-DNA position 1795, G replaced by C.
Protein change: p.Asp599His; replaces aspartic acid 599 with histidine.
Molecular consequence: missense variant.
Genome position (GRCh38, 1-based): chr3:93,877,041, C>G on the plus strand (G>C on the coding strand, the complement: PROS1 is on the minus strand). VCF-style: chr3-93877041-C-G. GRCh37 (hg19) VCF-style: chr3-93595885-C-G.
Other names: c.1891G>C, p.Asp631His (NM_001314077.2); short protein forms D631H, D599H.
Identifiers: ClinVar variation 4963387 (VCV004963387.2).

ClinVar aggregate classification (germline): Conflicting classifications of pathogenicity. Review status: criteria provided, conflicting classifications (1 of 4 stars). 2 submissions from 2 submitters: Uncertain significance (1); Likely benign (1). Last evaluated 2025-08-12.

Conditions:
PROS1-related disorder. Also called: PROS1-related condition.

gnomAD v4.1: 30 of 1,614,048 alleles (0.0019%); highest among the groups gnomAD compares: East Asian, 0.062%; no homozygotes.

Submissions (2):

PreventionGenetics, part of Exact Sciences
Classification: Uncertain significance for PROS1-related condition. Last evaluated: 2025-08-12. Review status: criteria provided, single submitter. Criteria: ACMG Guidelines, 2015. Collection method: clinical testing. Allele origin: germline.
Comment: The PROS1 c.1795G>C variant is predicted to result in the amino acid substitution p.Asp599His. This variant was reported in an individual with a history of thrombosis and stroke (Chan et al. 2018. PubMed ID: 29748776). This variant is reported in 0.12% of alleles in individuals of East Asian descent in gnomAD. At this time, the clinical significance of this variant is uncertain due to the absence of conclusive functional and genetic evidence.

Blueprint Genetics
Classification: Likely benign. Last evaluated: 2024-06-06. Review status: criteria provided, single submitter. Criteria: ACMG Guidelines, 2015. Collection method: clinical testing. Allele origin: germline.